The following is an entry in ClinVar:

NM_021728.4(OTX2):c.65T>C (p.Met22Thr)

Gene: OTX2 (orthodenticle homeobox 2; minus strand). Cytogenetic location: 14q22.3.
Variant type: single nucleotide variant.
Coding change: c.65T>C on transcript NM_021728.4 (MANE Select); coding-DNA position 65, T replaced by C.
Protein change: p.Met22Thr; replaces methionine 22 with threonine.
Molecular consequence: missense variant. On other transcripts: non-coding transcript variant (2).
Genome position (GRCh38, 1-based): chr14:56,805,392, A>G on the plus strand (T>C on the coding strand, the complement: OTX2 is on the minus strand). VCF-style: chr14-56805392-A-G. GRCh37 (hg19) VCF-style: chr14-57272110-A-G.
Other names: c.65T>C, p.Met22Thr (NM_001270523.2, NM_001270524.2, NM_001270525.2 and 1 more transcripts); short protein forms M22T.
Identifiers: ClinVar variation 1432169 (VCV001432169.6), dbSNP rs2139537248, ClinGen allele CA390052695.

ClinVar aggregate classification (germline): Uncertain significance (1 of 4 stars; one submission).

Conditions:
Anophthalmia-microphthalmia syndrome. Also called: Anophthalmia - microphthalmia; Anophthalmia/Microphthalmia. Identifiers: Orphanet 98555, MedGen C5680330, MONDO:0020147.

Submission:

Labcorp Genetics (formerly Invitae), Labcorp
Classification: Uncertain significance for Anophthalmia-microphthalmia syndrome. Last evaluated: 2021-09-23. Review status: criteria provided, single submitter. Criteria: Invitae Variant Classification Sherloc (09022015). Collection method: clinical testing. Allele origin: germline.
Comment: This sequence change replaces methionine with threonine at codon 22 of the OTX2 protein (p.Met22Thr). The methionine residue is highly conserved and there is a moderate physicochemical difference between methionine and threonine. This variant is not present in population databases (ExAC no frequency). This variant has not been reported in the literature in individuals affected with OTX2-related conditions. Algorithms developed to predict the effect of missense changes on protein structure and function are either unavailable or do not agree on the potential impact of this missense change (SIFT: "Deleterious"; PolyPhen-2: "Benign"; Align-GVGD: "Class C65"). In summary, the available evidence is currently insufficient to determine the role of this variant in disease. Therefore, it has been classified as a Variant of Uncertain Significance.